The following is an entry in ClinVar:

ClinVar aggregate classification (germline): Uncertain significance (1 of 4 stars; one submission).

Submission:

Women's Health and Genetics/Laboratory Corporation of America, LabCorp
Classification: Uncertain significance. Last evaluated: 2026-01-02. Review status: criteria provided, single submitter. Criteria: LabCorp Variant Classification Summary - May 2015. Collection method: clinical testing. Allele origin: germline.
Comment: Variant summary: The variant involves the duplication of exons 1-4 in the PRRT2 gene. A presumed nomenclature of c.(?_-197)_(*1244_?)dup has been designated for the purposes of this classification. This duplication includes the entire coding sequence of the gene. As exact breakpoints are unknown, it may extend beyond the annotated region of the gene, to include other flanking genes. A large duplication variant (size: ~547 kb) which covers the PRRT2 gene (together with several other flanking genes) was found at a frequency of 0.00019 in 119890 control chromosomes in the gnomAD database (Structural Variants v4.1 dataset). This recurrent copy number gain corresponds to the well-known chromosome 16p11.2 (micro)duplication that has been extensively reported in the literature. In addition, smaller duplications (size ~7-40 kb) are also found in single carriers in the gnomAD database (SVs v4.1 and CNVs v4.1 datasets). This frequency is not significantly higher than estimated for disease-causing variants in PRRT2, allowing no conclusion about variant significance. To our knowledge, duplications confined to the PRRT2 gene have not been reported in the literature. The 16p11.2 (micro)duplication has been reported in the literature in patients affected with epileptic seizures (e.g. Dimassi_2014) and other neurodevelopmental phenotypes (for review see e.g. PMIDs: 32993859, 38948459, 39332410). At least one publication reported experimental evidence demonstrating the rescue of specific neuropsychiatric phenotypes (i.e. aberrant seizure susceptibility and sociability) in a mouse model of 16p11.2 duplication syndrome by the genetic correction of the PRTT2 copy number (Forrest_2023). These data suggest that increased PRRT2 gene dosage might cause elevated seizure susceptibility (and other behavioral phenotypes), however it is not possible to discern whether behavioral deficits exhibited in mice are a true reflection of human symptoms. The following publications have been ascertained in the context of this evaluation (PMID: 24372385, 36808153). ClinVar contains an entry for this variant (Variation ID: 468612). Based on the evidence outlined above, the variant was classified as uncertain significance.

Literature cited by the submitters: PubMed 24372385; PubMed 36808153.

NC_000016.9:g.(?_29823513)_(29827203_?)dup

Gene: PRRT2 (proline rich transmembrane protein 2; plus strand). Cytogenetic location: 16p11.2.
Variant type: Duplication.
Identifiers: ClinVar variation 4689690 (VCV004689690.1).